The following is an entry in ClinVar:

ClinVar aggregate classification (germline): Uncertain significance (1 of 4 stars; one submission).

Conditions:
Nephronophthisis. Also called: Juvenile Nephronophthisis. Identifiers: Orphanet 655, MedGen C0687120, MONDO:0019005, HP:0000090.

Submission:

Labcorp Genetics (formerly Invitae), Labcorp
Classification: Uncertain significance for Nephronophthisis. Last evaluated: 2024-02-24. Review status: criteria provided, single submitter. Criteria: Invitae Variant Classification Sherloc (09022015). Collection method: clinical testing. Allele origin: germline.
Comment: This sequence change replaces arginine, which is basic and polar, with proline, which is neutral and non-polar, at codon 134 of the NPHP4 protein (p.Arg134Pro). This variant is not present in population databases (gnomAD no frequency). This variant has not been reported in the literature in individuals affected with NPHP4-related conditions. Advanced modeling of protein sequence and biophysical properties (such as structural, functional, and spatial information, amino acid conservation, physicochemical variation, residue mobility, and thermodynamic stability) performed at Invitae indicates that this missense variant is not expected to disrupt NPHP4 protein function with a negative predictive value of 80%. In summary, the available evidence is currently insufficient to determine the role of this variant in disease. Therefore, it has been classified as a Variant of Uncertain Significance.

NM_015102.5(NPHP4):c.401G>C (p.Arg134Pro)

Gene: NPHP4 (nephrocystin 4; minus strand). Cytogenetic location: 1p36.31.
Variant type: single nucleotide variant.
Coding change: c.401G>C on transcript NM_015102.5 (MANE Select); coding-DNA position 401, G replaced by C.
Protein change: p.Arg134Pro; replaces arginine 134 with proline.
Molecular consequence: missense variant. On other transcripts: 5 prime UTR variant (2), non-coding transcript variant (1).
Genome position (GRCh38, 1-based): chr1:5,969,138, C>G on the plus strand (G>C on the coding strand, the complement: NPHP4 is on the minus strand). VCF-style: chr1-5969138-C-G. GRCh37 (hg19) VCF-style: chr1-6029198-C-G.
Other names: c.-829G>C (NM_001291593.2); c.-966G>C (NM_001291594.2); short protein forms R134P.
Identifiers: ClinVar variation 3643108 (VCV003643108.2).
Genomic context (GRCh38, chr1:5,969,138, plus strand): 5'-GGCAGGTACCTTTTGTCCTGGGAAGCAGAGATAGGAGAGTCCGGCTGGTTGCTGAAGATC[C>G]GAAGAATTCCAAACCCACAGGACAATGTCTGGAGGCTCCCATCCCGTTTCTTGCCCTCAG-3'
Protein context (NP_055917.1, residues 124-144): QTLSCGFGIL[Arg134Pro]IFSNQPDSPI